The following is an entry in ClinVar:

NC_000007.13:g.(?_35242042)_(35244214_?)del

Gene: TBX20 (T-box transcription factor 20; minus strand). Cytogenetic location: 7p14.2.
Variant type: Deletion.
Identifiers: ClinVar variation 2423624 (VCV002423624.3).

ClinVar aggregate classification (germline): Uncertain significance (1 of 4 stars; one submission).

Submission:

Labcorp Genetics (formerly Invitae), Labcorp
Classification: Uncertain significance. Last evaluated: 2022-04-05. Review status: criteria provided, single submitter. Criteria: Invitae Variant Classification Sherloc (09022015). Collection method: clinical testing. Allele origin: germline.
Comment: This variant is a gross deletion of the genomic region encompassing exon(s) 7-8 of the TBX20 gene, which includes the termination codon. This deletion extends beyond the assayed region for this gene and therefore may encompass additional genes. While this deletion is not anticipated to lead to nonsense mediated decay, it is expected to alter mRNA translation or result in a truncated protein product. This variant has not been reported in the literature in individuals affected with TBX20-related conditions. In summary, the available evidence is currently insufficient to determine the role of this variant in disease. Therefore, it has been classified as a Variant of Uncertain Significance. Experimental studies and prediction algorithms are not available or were not evaluated, and the functional significance of this variant is currently unknown.